The following is an entry in ClinVar:

NM_152564.5(VPS13B):c.10190G>C (p.Cys3397Ser)

Gene: VPS13B (vacuolar protein sorting 13 homolog B; plus strand). Cytogenetic location: 8q22.2.
Variant type: single nucleotide variant.
Coding change: c.10190G>C on transcript NM_152564.5 (MANE Select); coding-DNA position 10190, G replaced by C.
Protein change: p.Cys3397Ser; replaces cysteine 3397 with serine.
Molecular consequence: missense variant.
Genome position (GRCh38, 1-based): chr8:99,853,579, G>C. VCF-style: chr8-99853579-G-C. GRCh37 (hg19) VCF-style: chr8-100865807-G-C.
Other names: c.10265G>C, p.Cys3422Ser (NM_017890.5); short protein forms C3397S, C3422S.
Identifiers: ClinVar variation 2624163 (VCV002624163.5), dbSNP rs1032791315, ClinGen allele CA182314082.

ClinVar aggregate classification (germline): Uncertain significance. Review status: criteria provided, multiple submitters, no conflicts (2 of 4 stars). 3 submissions from 3 submitters: Uncertain significance (3). Last evaluated 2025-11-08.

Conditions:
VPS13B-related disorder. Also called: VPS13B-related condition.
Inborn genetic diseases. Identifiers: MedGen C0950123, MeSH D030342.
Cohen syndrome (COH1). Also called: PEPPER SYNDROME; Cutis verticis gyrata, retinitis pigmentosa, and sensorineural deafness. Identifiers: Orphanet 193, MedGen C0265223, MONDO:0008999, OMIM 216550.

Allele frequency attached by ClinVar (database versions not stated): gnomAD 0.00001; TOPMed 0.00001.
gnomAD v4.1: 35 of 1,614,072 alleles (0.0022%); highest among the groups gnomAD compares: Non-Finnish European, 0.0028%; no homozygotes.

Submissions (3):

Ambry Genetics
Classification: Uncertain significance for Inborn genetic diseases. Last evaluated: 2025-11-08. Review status: criteria provided, single submitter. Criteria: Ambry Variant Classification Scheme 2023. Collection method: clinical testing. Allele origin: germline.

Labcorp Genetics (formerly Invitae), Labcorp
Classification: Uncertain significance for Cohen syndrome. Last evaluated: 2025-06-12. Review status: criteria provided, single submitter. Criteria: Invitae Variant Classification Sherloc (09022015). Collection method: clinical testing. Allele origin: germline.
Comment: This sequence change replaces cysteine, which is neutral and slightly polar, with serine, which is neutral and polar, at codon 3422 of the VPS13B protein (p.Cys3422Ser). This variant is present in population databases (no rsID available, gnomAD 0.0009%). This variant has not been reported in the literature in individuals affected with VPS13B-related conditions. ClinVar contains an entry for this variant (Variation ID: 2624163). Invitae Evidence Modeling of protein sequence and biophysical properties (such as structural, functional, and spatial information, amino acid conservation, physicochemical variation, residue mobility, and thermodynamic stability) indicates that this missense variant is not expected to disrupt VPS13B protein function with a negative predictive value of 80%. In summary, the available evidence is currently insufficient to determine the role of this variant in disease. Therefore, it has been classified as a Variant of Uncertain Significance.

PreventionGenetics, part of Exact Sciences
Classification: Uncertain significance for VPS13B-related condition. Last evaluated: 2025-01-08. Review status: criteria provided, single submitter. Criteria: ACMG Guidelines, 2015. Collection method: clinical testing. Allele origin: germline.
Comment: The VPS13B c.10190G>C variant is predicted to result in the amino acid substitution p.Cys3397Ser. To our knowledge, this variant has not been reported in the literature. This variant is reported in 0.00088% of alleles in individuals of European (Non-Finnish) descent in gnomAD. At this time, the clinical significance of this variant is uncertain due to the absence of conclusive functional and genetic evidence.